The following is an entry in ClinVar:

NM_001013838.3(CARMIL2):c.2676+12A>G

Gene: CARMIL2 (capping protein regulator and myosin 1 linker 2; plus strand). Cytogenetic location: 16q22.1.
Variant type: single nucleotide variant.
Coding change: c.2676+12A>G on transcript NM_001013838.3 (MANE Select); 12 bases into the intron after coding-DNA position 2676, A replaced by G.
Molecular consequence: intron variant.
Genome position (GRCh38, 1-based): chr16:67,652,020, A>G. VCF-style: chr16-67652020-A-G. GRCh37 (hg19) VCF-style: chr16-67685923-A-G.
Other names: c.2568+12A>G (NM_001317026.3).
Identifiers: ClinVar variation 1911028 (VCV001911028.2), dbSNP rs2052734475, ClinGen allele CA2229437149.

ClinVar aggregate classification (germline): Uncertain significance (1 of 4 stars; one submission).

Allele frequency attached by ClinVar (database versions not stated): gnomAD exomes below 0.00001; TOPMed below 0.00001.
gnomAD v4.1: 1 of 1,612,916 alleles (0.000062%); highest among the groups gnomAD compares: Middle Eastern, 0.016%; no homozygotes.

Submission:

Labcorp Genetics (formerly Invitae), Labcorp
Classification: Uncertain significance. Last evaluated: 2022-07-14. Review status: criteria provided, single submitter. Criteria: Invitae Variant Classification Sherloc (09022015). Collection method: clinical testing. Allele origin: germline.
Comment: This sequence change falls in intron 26 of the CARMIL2 gene. It does not directly change the encoded amino acid sequence of the CARMIL2 protein. This variant is not present in population databases (gnomAD no frequency). This variant has not been reported in the literature in individuals affected with CARMIL2-related conditions. Algorithms developed to predict the effect of sequence changes on RNA splicing suggest that this variant may create or strengthen a splice site. In summary, the available evidence is currently insufficient to determine the role of this variant in disease. Therefore, it has been classified as a Variant of Uncertain Significance.